The following is an entry in ClinVar:

NM_000458.4(HNF1B):c.351C>A (p.Asp117Glu)

Gene: HNF1B (HNF1 homeobox B; minus strand). Cytogenetic location: 17q12.
Variant type: single nucleotide variant.
Coding change: c.351C>A on transcript NM_000458.4 (MANE Select); coding-DNA position 351, C replaced by A.
Protein change: p.Asp117Glu; replaces aspartic acid 117 with glutamic acid.
Molecular consequence: missense variant.
Genome position (GRCh38, 1-based): chr17:37,739,633, G>T on the plus strand (C>A on the coding strand, the complement: HNF1B is on the minus strand). VCF-style: chr17-37739633-G-T. GRCh37 (hg19) VCF-style: chr17-36099624-G-T.
Other names: c.351C>A, p.Asp117Glu (NM_001165923.4, NM_001304286.2, NM_001411100.1); short protein forms D117E.
Identifiers: ClinVar variation 3256657 (VCV003256657.1).

ClinVar aggregate classification (germline): Likely pathogenic (1 of 4 stars; one submission).

Conditions:
Renal cysts and diabetes syndrome (RCAD). Also called: Familial hypoplastic, glomerulocystic kidney; MATURITY-ONSET DIABETES OF THE YOUNG, TYPE 5. Identifiers: Orphanet 93111, MedGen C0431693, MONDO:0007669, OMIM 137920.

Submission:

MVZ Medizinische Genetik Mainz
Classification: Likely pathogenic for Renal cysts and diabetes syndrome. Last evaluated: 2024-07-11. Review status: criteria provided, single submitter. Criteria: UK Practice Guidelines For Variant Classification V4 01 2020. Collection method: clinical testing. Allele origin: germline. Inheritance: Autosomal dominant inheritance. Affected: yes. Observed: 1 variant allele.
Comment: ACMG Criteria: PM1,PP3_MOD,PM2_SUP,PP2